The following is an entry in ClinVar:

NM_001080.3(ALDH5A1):c.1540C>T (p.Arg514Ter)

Gene: ALDH5A1 (aldehyde dehydrogenase 5 family member A1; plus strand). Cytogenetic location: 6p22.3.
Variant type: single nucleotide variant.
Coding change: c.1540C>T on transcript NM_001080.3 (MANE Select); coding-DNA position 1540, C replaced by T.
Protein change: p.Arg514Ter; replaces arginine 514 with a stop codon.
Molecular consequence: nonsense.
Genome position (GRCh38, 1-based): chr6:24,533,644, C>T. VCF-style: chr6-24533644-C-T. GRCh37 (hg19) VCF-style: chr6-24533872-C-T.
Other names: c.1396C>T, p.Arg466Ter (NM_001368954.1); c.1579C>T, p.Arg527Ter (NM_170740.1); short protein forms R466*, R514*, R527*.
Identifiers: ClinVar variation 1069046 (VCV001069046.10), dbSNP rs748170674, ClinGen allele CA362967720.

ClinVar aggregate classification (germline): Pathogenic. Review status: criteria provided, multiple submitters, no conflicts (2 of 4 stars). 2 submissions from 2 submitters: Pathogenic (2). Last evaluated 2023-08-04.

Conditions:
Succinate-semialdehyde dehydrogenase deficiency (SSADHD). Also called: Succinic Semialdehyde Dehydrogenase Deficiency; SSADH DEFICIENCY; 4-HYDROXYBUTYRIC ACIDURIA; GABA METABOLIC DEFECT. Identifiers: Orphanet 22, MedGen C0268631, MONDO:0010083, OMIM 271980.

Allele frequency attached by ClinVar (database versions not stated): gnomAD exomes below 0.00001.
gnomAD v4.1: 6 of 1,613,916 alleles (0.00037%); highest among the groups gnomAD compares: Admixed American, 0.0017%; no homozygotes.

Submissions (2):

Labcorp Genetics (formerly Invitae), Labcorp
Classification: Pathogenic for Succinate-semialdehyde dehydrogenase deficiency. Last evaluated: 2023-08-04. Review status: criteria provided, single submitter. Criteria: Invitae Variant Classification Sherloc (09022015). Collection method: clinical testing. Allele origin: germline.
Comment: This sequence change creates a premature translational stop signal (p.Arg514*) in the ALDH5A1 gene. While this is not anticipated to result in nonsense mediated decay, it is expected to disrupt the last 22 amino acid(s) of the ALDH5A1 protein. For these reasons, this variant has been classified as Pathogenic. Algorithms developed to predict the effect of sequence changes on RNA splicing suggest that this variant may disrupt the consensus splice site. ClinVar contains an entry for this variant (Variation ID: 1069046). This premature translational stop signal has been observed in individual(s) with succinic semialdehyde dehydrogenase (SSADH) deficiency (PMID: 14635103). This variant is present in population databases (no rsID available, gnomAD 0.0009%).

Elsea Laboratory, Baylor College of Medicine
Classification: Pathogenic for Succinate-semialdehyde dehydrogenase deficiency. Last evaluated: 2021-03-08. Review status: criteria provided, single submitter. Criteria: Martin et al. (J Child Neurol. 2021). Collection method: curation. Allele origin: germline. Affected: yes.

Literature cited by the submitters: PubMed 14635103 (cited by Labcorp Genetics (formerly Invitae), Labcorp and Elsea Laboratory, Baylor College of Medicine); PubMed 23430864 (cited by Elsea Laboratory, Baylor College of Medicine).